The following is an entry in ClinVar:

ClinVar aggregate classification (germline): Uncertain significance (1 of 4 stars; one submission).

Submission:

Labcorp Genetics (formerly Invitae), Labcorp
Classification: Uncertain significance. Last evaluated: 2022-07-06. Review status: criteria provided, single submitter. Criteria: Invitae Variant Classification Sherloc (09022015). Collection method: clinical testing. Allele origin: germline.
Comment: This sequence change replaces isoleucine, which is neutral and non-polar, with leucine, which is neutral and non-polar, at codon 630 of the HELLS protein (p.Ile630Leu). This variant is not present in population databases (gnomAD no frequency). This variant has not been reported in the literature in individuals affected with HELLS-related conditions. Algorithms developed to predict the effect of missense changes on protein structure and function (SIFT, PolyPhen-2, Align-GVGD) all suggest that this variant is likely to be tolerated. In summary, the available evidence is currently insufficient to determine the role of this variant in disease. Therefore, it has been classified as a Variant of Uncertain Significance.

NM_018063.5(HELLS):c.1888A>C (p.Ile630Leu)

Gene: HELLS (helicase, lymphoid specific; plus strand). Cytogenetic location: 10q23.33.
Variant type: single nucleotide variant.
Coding change: c.1888A>C on transcript NM_018063.5 (MANE Select); coding-DNA position 1888, A replaced by C.
Protein change: p.Ile630Leu; replaces isoleucine 630 with leucine.
Molecular consequence: missense variant.
Genome position (GRCh38, 1-based): chr10:94,592,431, A>C. VCF-style: chr10-94592431-A-C. GRCh37 (hg19) VCF-style: chr10-96352188-A-C.
Other names: c.2026A>C, p.Ile676Leu (NM_001289067.2); c.1840A>C, p.Ile614Leu (NM_001289068.2); c.1792A>C, p.Ile598Leu (NM_001289069.2); c.1594A>C, p.Ile532Leu (NM_001289070.2); c.1516A>C, p.Ile506Leu (NM_001289071.2); c.1498A>C, p.Ile500Leu (NM_001289072.2); c.1474A>C, p.Ile492Leu (NM_001289073.2); c.805A>C, p.Ile269Leu (NM_001289074.2); and 1 more; short protein forms I269L, I492L, I532L, I506L, I676L, I598L, I630L, I224L.
Identifiers: ClinVar variation 1918727 (VCV001918727.5), dbSNP rs2493281359, ClinGen allele CA377667185.